The following is an entry in ClinVar:

ClinVar aggregate classification (germline): Likely benign (1 of 4 stars; one submission).

Allele frequency attached by ClinVar (database versions not stated): ExAC 0.00008; gnomAD 0.00010.
gnomAD v4.1: 155 of 1,546,776 alleles (0.01%); highest among the groups gnomAD compares: Admixed American, 0.018%; no homozygotes.

Submission:

CeGaT Center for Human Genetics Tuebingen
Classification: Likely benign. Last evaluated: 2022-08-01. Review status: criteria provided, single submitter. Criteria: CeGaT Center For Human Genetics Tuebingen Variant Classification Criteria Version 2. Collection method: clinical testing. Allele origin: germline. Affected: yes. Observed: 1 variant allele.
Comment: ULK3: BP4, BP7

NM_001099436.4(ULK3):c.93C>T (p.Ala31=)

Gene: ULK3 (unc-51 like kinase 3; minus strand). Cytogenetic location: 15q24.1.
Variant type: single nucleotide variant.
Coding change: c.93C>T on transcript NM_001099436.4 (MANE Select); coding-DNA position 93, C replaced by T.
Protein change: p.Ala31=; no amino-acid change (alanine 31 retained).
Molecular consequence: synonymous variant. On other transcripts: 5 prime UTR variant (2), non-coding transcript variant (3).
Genome position (GRCh38, 1-based): chr15:74,843,013, G>A on the plus strand (C>T on the coding strand, the complement: ULK3 is on the minus strand). VCF-style: chr15-74843013-G-A. GRCh37 (hg19) VCF-style: chr15-75135354-G-A.
Other names: c.93C>T, p.Ala31= (NM_001284364.3, NM_015518.1); c.-182C>T (NM_001284365.3); c.-340C>T (NM_001411082.1).
Identifiers: ClinVar variation 2645550 (VCV002645550.24), dbSNP rs774909124, ClinGen allele CA7661891.
Genomic context (GRCh38, chr15:74,843,013, plus strand): 5'-GCACCAGCCGAGCTAGCTCGGGCGGGCACGGGGCCATCGGCCGGCACCCACCTTGGCGTA[G>A]GCCTTGTACACCGTGGCGTACGTGCCGCTGCCCAGGCGCTCGGTGAGGATGAAGCCGTCC-3'
Protein context (NP_001092906.3, residues 21-41): GSGTYATVYK[Ala31=]YAKKDTREVV